The following is an entry in ClinVar:

NM_001953.5(TYMP):c.112G>T (p.Glu38Ter)

Gene: TYMP (thymidine phosphorylase; minus strand). Cytogenetic location: 22q13.33.
Variant type: single nucleotide variant.
Coding change: c.112G>T on transcript NM_001953.5 (MANE Select); coding-DNA position 112, G replaced by T.
Protein change: p.Glu38Ter; replaces glutamic acid 38 with a stop codon.
Molecular consequence: nonsense.
Genome position (GRCh38, 1-based): chr22:50,529,598, C>A on the plus strand (G>T on the coding strand, the complement: TYMP is on the minus strand). VCF-style: chr22-50529598-C-A. GRCh37 (hg19) VCF-style: chr22-50968027-C-A.
Other names: Gln>Ter; c.112G>T, p.Glu38Ter (LRG_727t2, LRG_727t1, NM_001113755.3 and 3 more transcripts); short protein forms E38*.
Identifiers: ClinVar variation 223014 (VCV000223014.6), dbSNP rs1054084896, ClinGen allele CA16616769.

ClinVar aggregate classification (germline): Pathogenic. Review status: criteria provided, multiple submitters, no conflicts (2 of 4 stars). 4 submissions from 4 submitters: Pathogenic (3). 1 of the submissions does not count toward it. Last evaluated 2026-01-28.

Conditions:
Mitochondrial DNA depletion syndrome 1. Also called: Mitochondrial neurogastrointestinal encephalomyopathy syndrome; Mitochondrial DNA Depletion Syndrome, MNGIE Form; Mitochondrial DNA depletion syndrome 1 (MNGIE type); Mitochondrial Neurogastrointestinal Encephalopathy Disease; MITOCHONDRIAL NEUROGASTROINTESTINAL ENCEPHALOPATHY SYNDROME, TYMP-RELATED; MNGIE, TYMP-RELATED. Identifiers: Orphanet 298, MedGen C4551995, MONDO:0011283, OMIM 603041.

Allele frequency attached by ClinVar (database versions not stated): gnomAD exomes below 0.00001; TOPMed below 0.00001.

Submissions (4):

Labcorp Genetics (formerly Invitae), Labcorp
Classification: Pathogenic. Last evaluated: 2026-01-28. Review status: criteria provided, single submitter. Criteria: Invitae Variant Classification Sherloc (09022015). Collection method: clinical testing. Allele origin: germline.
Comment: This sequence change creates a premature translational stop signal (p.Glu38*) in the TYMP gene. It is expected to result in an absent or disrupted protein product. Loss-of-function variants in TYMP are known to be pathogenic (PMID: 9924029, 15781193). This variant is present in population databases (no rsID available, gnomAD 0.0009%). This premature translational stop signal has been observed in individuals with mitochondrial neurogastrointestinal encephalomyopathy (PMID: 20585803, 28764801). ClinVar contains an entry for this variant (Variation ID: 223014). For these reasons, this variant has been classified as Pathogenic.

Myriad Genetics, Inc.
Classification: Pathogenic for Mitochondrial DNA depletion syndrome 1. Last evaluated: 2025-06-19. Review status: criteria provided, single submitter. Criteria: Myriad Autosomal Dominant, Autosomal Recessive and X-Linked Classification Criteria (2023). Collection method: clinical testing. Allele origin: unknown.
Comment: NM_001257989.1(TYMP):c.112G>T(E38*) is a nonsense variant classified as pathogenic in the context of mitochondrial neurogastrointestinal encephalopathy disease. E38* has been observed in cases with relevant disease (PMID: 20585803, 28764801, 21820356). Relevant functional assessments of this variant are not available in the literature. E38* has been observed in referenced population frequency databases. In summary, NM_001257989.1(TYMP):c.112G>T(E38*) is a nonsense variant in a gene where loss of function is a known mechanism of disease, is predicted to disrupt protein function, and has been observed more frequently in cases with the relevant disease than in healthy populations. Please note: this variant was assessed in the context of healthy population screening.

Baylor Genetics
Classification: Pathogenic for Mitochondrial DNA depletion syndrome 1. Last evaluated: 2023-04-06. Review status: criteria provided, single submitter. Criteria: ACMG Guidelines, 2015. Collection method: clinical testing. Allele origin: unknown.

GeneReviews
Classification: Pathogenic for Mitochondrial DNA depletion syndrome 1. Last evaluated: 2016-01-14. Review status: no assertion criteria provided. Collection method: literature only. Allele origin: germline. Affected: yes. Not counted in ClinVar's aggregate classification.

Literature cited by the submitters: PubMed 9924029 (cited by Labcorp Genetics (formerly Invitae), Labcorp); PubMed 15781193 (cited by Labcorp Genetics (formerly Invitae), Labcorp); PubMed 20585803 (cited by Labcorp Genetics (formerly Invitae), Labcorp and Myriad Genetics, Inc.); PubMed 28764801 (cited by Labcorp Genetics (formerly Invitae), Labcorp and Myriad Genetics, Inc.); PubMed 21820356 (cited by Myriad Genetics, Inc.); PubMed 21933806 (cited by GeneReviews).